The following is an entry in ClinVar:

ClinVar aggregate classification (germline): Uncertain significance (1 of 4 stars; one submission).

Submission:

GeneDx
Classification: Uncertain significance. Last evaluated: 2024-02-20. Review status: criteria provided, single submitter. Criteria: GeneDx Variant Classification Process June 2021. Collection method: clinical testing. Allele origin: germline. Affected: yes.
Comment: Not observed at significant frequency in large population cohorts (gnomAD); In silico analysis supports that this missense variant does not alter protein structure/function; Has not been previously published as pathogenic or benign to our knowledge

NM_004301.5(ACTL6A):c.997G>A (p.Val333Ile)

Gene: ACTL6A (actin like 6A; plus strand). Cytogenetic location: 3q26.33.
Variant type: single nucleotide variant.
Coding change: c.997G>A on transcript NM_004301.5 (MANE Select); coding-DNA position 997, G replaced by A.
Protein change: p.Val333Ile; replaces valine 333 with isoleucine.
Molecular consequence: missense variant.
Genome position (GRCh38, 1-based): chr3:179,581,191, G>A. VCF-style: chr3-179581191-G-A. GRCh37 (hg19) VCF-style: chr3-179298979-G-A.
Other names: c.871G>A, p.Val291Ile (NM_177989.4, NM_178042.4); short protein forms V291I, V333I.
Identifiers: ClinVar variation 3369541 (VCV003369541.1).
Genomic context (GRCh38, chr3:179,581,191, plus strand): 5'-TTGTTGTAGGGGTTATCAGGAAACACAATGTTAGGAGTCAGTCATGTTGTCACCACAAGT[G>A]TTGGGATGTGTGATATTGACATCAGACCAGTAAGTGCCAGTCTCCTGTTACGGTTTAAAG-3'
Protein context (NP_004292.1, residues 323-343): LGVSHVVTTS[Val333Ile]GMCDIDIRPG